The following is an entry in ClinVar:

ClinVar aggregate classification (germline): Uncertain significance. Review status: criteria provided, multiple submitters, no conflicts (2 of 4 stars). 3 submissions from 3 submitters: Uncertain significance (3). Last evaluated 2025-12-24.

Conditions:
Familial hypocalciuric hypercalcemia (FHH). Also called: Familial benign hypercalcemia. Identifiers: Orphanet 405, MedGen C1809471, MONDO:0018458.
Autosomal dominant hypocalcemia 1 (HYPOC1). Also called: HYPOCALCEMIA, FAMILIAL. Identifiers: MedGen C3715128, MONDO:0011013, OMIM 601198.
CASR-related disorder. Also called: CASR-related condition.

Submissions (3):

Labcorp Genetics (formerly Invitae), Labcorp
Classification: Uncertain significance for Familial hypocalciuric hypercalcemia; Autosomal dominant hypocalcemia 1. Last evaluated: 2025-12-24. Review status: criteria provided, single submitter. Criteria: Invitae Variant Classification Sherloc (09022015). Collection method: clinical testing. Allele origin: germline.
Comment: This sequence change replaces leucine, which is neutral and non-polar, with glutamine, which is neutral and polar, at codon 461 of the CASR protein (p.Leu461Gln). This variant is not present in population databases (gnomAD no frequency). This variant has not been reported in the literature in individuals affected with CASR-related conditions. ClinVar contains an entry for this variant (Variation ID: 532613). An algorithm developed to predict the effect of missense changes on protein structure and function (PolyPhen-2) suggests that this variant is likely to be disruptive. In summary, the available evidence is currently insufficient to determine the role of this variant in disease. Therefore, it has been classified as a Variant of Uncertain Significance.

Women's Health and Genetics/Laboratory Corporation of America, LabCorp
Classification: Uncertain significance. Last evaluated: 2025-04-16. Review status: criteria provided, single submitter. Criteria: LabCorp Variant Classification Summary - May 2015. Collection method: clinical testing. Allele origin: germline.
Comment: Variant summary: CASR c.1382T>A (p.Leu461Gln) results in a non-conservative amino acid change in the encoded protein sequence. Five of five in-silico tools predict a damaging effect of the variant on protein function. The variant was absent in 251008 control chromosomes. The available data on variant occurrences in the general population are insufficient to allow any conclusion about variant significance. To our knowledge, no occurrence of c.1382T>A in individuals affected with Autosomal Dominant Hypocalcemia and no experimental evidence demonstrating its impact on protein function have been reported. ClinVar contains an entry for this variant (Variation ID: 532613). Based on the evidence outlined above, the variant was classified as uncertain significance.

PreventionGenetics, part of Exact Sciences
Classification: Uncertain significance for CASR-related condition. Last evaluated: 2022-11-02. Review status: criteria provided, single submitter. Criteria: ACMG Guidelines, 2015. Collection method: clinical testing. Allele origin: germline.
Comment: The CASR c.1382T>A variant is predicted to result in the amino acid substitution p.Leu461Gln. To our knowledge, this variant has not been reported in the literature or in a large population database, indicating this variant is rare. A different amino acid substitution as this position (p.Leu461Gln) has been reported in two individuals with familial hypocalciuric hypercalcemia (Hannan et al 2012. PubMed ID: 22422767). At this time, the clinical significance of this variant is uncertain due to the absence of conclusive functional and genetic evidence.

NM_000388.4(CASR):c.1382T>A (p.Leu461Gln)

Gene: CASR (calcium sensing receptor; plus strand). Cytogenetic location: 3q21.1.
Variant type: single nucleotide variant.
Coding change: c.1382T>A on transcript NM_000388.4 (MANE Select); coding-DNA position 1382, T replaced by A.
Protein change: p.Leu461Gln; replaces leucine 461 with glutamine.
Molecular consequence: missense variant.
Genome position (GRCh38, 1-based): chr3:122,275,816, T>A. VCF-style: chr3-122275816-T-A. GRCh37 (hg19) VCF-style: chr3-121994663-T-A.
Other names: c.1382T>A (NM_001178065.1); c.1382T>A, p.Leu461Gln (NM_001178065.2); short protein forms L461Q.
Identifiers: ClinVar variation 532613 (VCV000532613.13), dbSNP rs1553768082, ClinGen allele CA354154786.